The following is an entry in ClinVar:

NM_033305.3(VPS13A):c.5699del (p.Asn1900fs)

Gene: VPS13A (vacuolar protein sorting 13 homolog A; plus strand). Cytogenetic location: 9q21.2.
Variant type: Deletion.
Coding change: c.5699del on transcript NM_033305.3 (MANE Select); coding-DNA position 5699, one base deleted (A; older notation c.5699delA).
Protein change: p.Asn1900fs; shifts the reading frame from asparagine 1900.
Molecular consequence: frameshift variant.
Genome position (GRCh38, 1-based): chr9:77,321,615, A deleted; the last of 2 consecutive A bases (chr9:77,321,614-77,321,615); deleting either gives the same sequence. VCF-style (leftmost placement, unchanged base first): chr9-77321613-CA-C. GRCh37 (hg19) VCF-style: chr9-79936529-CA-C.
Other names: c.5582del, p.Asn1861fs (NM_001018037.2); c.5699del, p.Asn1900fs (NM_001018038.3, NM_015186.4); short protein forms N1861fs, N1900fs.
Identifiers: ClinVar variation 5011551 (VCV005011551.1).

ClinVar aggregate classification (germline): Pathogenic (1 of 4 stars; one submission).

Conditions:
VPS13A-related neurodegenerative disease. Also called: ACANTHOCYTOSIS WITH NEUROLOGIC DISORDER; LEVINE-CRITCHLEY SYNDROME; Choreoacanthocytosis; Chorea-acanthocytosis; Choreaacanthocytosis; VPS13A Disease. Identifiers: Orphanet 2388, MedGen C0393576, MONDO:0008695, OMIM 200150.

Submission:

Myriad Genetics, Inc.
Classification: Pathogenic for VPS13A-related neurodegenerative disease. Last evaluated: 2024-05-14. Review status: criteria provided, single submitter. Criteria: Myriad Autosomal Dominant, Autosomal Recessive and X-Linked Classification Criteria (2023). Collection method: clinical testing. Allele origin: unknown.
Comment: NM_033305.2(VPS13A):c.5699delA(N1900Tfs*10) is expected to be pathogenic in the context of VPS13A disease. This variant is predicted to lead to an abnormal or absent protein product due to the creation of a premature termination codon in VPS13A, a gene where loss-of-function variants are known to be pathogenic. Please note: this variant was assessed in the context of healthy population screening.